The following is an entry in ClinVar:

NM_001369.3(DNAH5):c.13072C>T (p.Arg4358Trp)

Gene: DNAH5 (dynein axonemal heavy chain 5; minus strand). Cytogenetic location: 5p15.2.
Variant type: single nucleotide variant.
Coding change: c.13072C>T on transcript NM_001369.3 (MANE Select); coding-DNA position 13072, C replaced by T.
Protein change: p.Arg4358Trp; replaces arginine 4358 with tryptophan.
Molecular consequence: missense variant.
Genome position (GRCh38, 1-based): chr5:13,714,458, G>A on the plus strand (C>T on the coding strand, the complement: DNAH5 is on the minus strand). VCF-style: chr5-13714458-G-A. GRCh37 (hg19) VCF-style: chr5-13714567-G-A.
Other names: short protein forms R4358W.
Identifiers: ClinVar variation 351006 (VCV000351006.16), dbSNP rs753960777, ClinGen allele CA3201458.

ClinVar aggregate classification (germline): Conflicting classifications of pathogenicity. Review status: criteria provided, conflicting classifications (1 of 4 stars). 4 submissions from 4 submitters: Uncertain significance (2); Likely benign (1). 1 of the submissions does not count toward it. Last evaluated 2025-12-03.

Conditions:
Primary ciliary dyskinesia 3. Identifiers: Orphanet 244, MedGen C1837618, MONDO:0012085, OMIM 608644.
Primary ciliary dyskinesia. Also called: Ciliary dyskinesia. Identifiers: Orphanet 244, MedGen C0008780, MONDO:0016575, HP:0012265.

Allele frequency attached by ClinVar (database versions not stated): TOPMed 0.00003; ExAC 0.00004; gnomAD 0.00005; gnomAD exomes 0.00005 and 0.00006.
gnomAD v4.1: 95 of 1,613,962 alleles (0.0059%); highest among the groups gnomAD compares: Middle Eastern, 0.016%; no homozygotes.

Submissions (4):

Labcorp Genetics (formerly Invitae), Labcorp
Classification: Likely benign for Primary ciliary dyskinesia. Last evaluated: 2025-12-03. Review status: criteria provided, single submitter. Criteria: Invitae Variant Classification Sherloc (09022015). Collection method: clinical testing. Allele origin: germline.

Ambry Genetics
Classification: Uncertain significance for Primary ciliary dyskinesia. Last evaluated: 2020-10-09. Review status: criteria provided, single submitter. Criteria: Ambry Variant Classification Scheme 2023. Collection method: clinical testing. Allele origin: germline.
Comment: The p.R4358W variant (also known as c.13072C>T), located in coding exon 75 of the DNAH5 gene, results from a C to T substitution at nucleotide position 13072. The arginine at codon 4358 is replaced by tryptophan, an amino acid with dissimilar properties. This variant was identified in an individual with congenital heart disease and a second DNAH5 variant in trans (Watkins WS et al, 2019 10;10:4722). This amino acid position is well conserved in available vertebrate species. In addition, the in silico prediction for this alteration is inconclusive. Since supporting evidence is limited at this time, the clinical significance of this alteration remains unclear.

Illumina Laboratory Services, Illumina
Classification: Uncertain significance for Primary ciliary dyskinesia 3. Last evaluated: 2018-01-13. Review status: criteria provided, single submitter. Criteria: ICSL Variant Classification Criteria 13 December 2019. Collection method: clinical testing. Allele origin: germline.

Natera, Inc.
Classification: Uncertain significance for Primary ciliary dyskinesia. Last evaluated: 2020-02-21. Review status: no assertion criteria provided. Collection method: clinical testing. Allele origin: germline. Not counted in ClinVar's aggregate classification.

Literature cited by the submitters: PubMed 31624253 (cited by Ambry Genetics).